The following is an entry in ClinVar:

NM_147127.5(EVC2):c.3058-1G>C

Gene: EVC2 (EvC ciliary complex subunit 2; minus strand). Cytogenetic location: 4p16.2.
Variant type: single nucleotide variant.
Coding change: c.3058-1G>C on transcript NM_147127.5 (MANE Select); the canonical splice acceptor site of the intron before coding-DNA position 3058, G replaced by C.
Molecular consequence: splice acceptor variant.
Genome position (GRCh38, 1-based): chr4:5,576,455, C>G on the plus strand (G>C on the coding strand, the complement: EVC2 is on the minus strand). VCF-style: chr4-5576455-C-G. GRCh37 (hg19) VCF-style: chr4-5578182-C-G.
Other names: c.2818-1G>C (NM_001166136.2).
Identifiers: ClinVar variation 2939344 (VCV002939344.3), dbSNP rs1722942071, ClinGen allele CA356152885.
Genomic context (GRCh38, chr4:5,576,455, plus strand): 5'-CTGGGCTGCCTCCTGCTGCACCAGCTGGTCCTCCAGCTTCCTCTCCAACTCCTGGAGCTC[C>G]TACACAAGGAAGGGGCAGAGGGTAAGCACCACTGCACAAGGCGGGTGGGGTGGAGGACAA-3'

ClinVar aggregate classification (germline): Likely pathogenic (1 of 4 stars; one submission).

Conditions:
Curry-Hall syndrome (WAD). Also called: WEYERS ACRODENTAL DYSOSTOSIS. Identifiers: Orphanet 952, MedGen C0457013, MONDO:0008673, OMIM 193530.
Ellis-van Creveld syndrome (EVC). Also called: EVC-Related Ellis-van Creveld Syndrome; EVC2-Related Ellis-van Creveld Syndrome; MESOECTODERMAL DYSPLASIA; Chondroectodermal dysplasia. Identifiers: Orphanet 289, MedGen C0013903, MONDO:0009162, OMIM 225500.

Allele frequency attached by ClinVar (database versions not stated): TOPMed below 0.00001.

Submission:

Labcorp Genetics (formerly Invitae), Labcorp
Classification: Likely pathogenic for Curry-Hall syndrome; Ellis-van Creveld syndrome. Last evaluated: 2024-01-04. Review status: criteria provided, single submitter. Criteria: Invitae Variant Classification Sherloc (09022015). Collection method: clinical testing. Allele origin: germline.
Comment: This sequence change affects an acceptor splice site in intron 17 of the EVC2 gene. It is expected to disrupt RNA splicing. Variants that disrupt the donor or acceptor splice site typically lead to a loss of protein function (PMID: 16199547), and loss-of-function variants in EVC2 are known to be pathogenic (PMID: 17024374, 19810119, 19876929). This variant is not present in population databases (gnomAD no frequency). This variant has not been reported in the literature in individuals affected with EVC2-related conditions. Algorithms developed to predict the effect of sequence changes on RNA splicing suggest that this variant may disrupt the consensus splice site. In summary, the currently available evidence indicates that the variant is pathogenic, but additional data are needed to prove that conclusively. Therefore, this variant has been classified as Likely Pathogenic.

Literature cited by the submitters: PubMed 16199547; PubMed 17024374; PubMed 19810119; PubMed 19876929.